The following is an entry in ClinVar:

ClinVar aggregate classification (germline): Conflicting classifications of pathogenicity. Review status: criteria provided, conflicting classifications (1 of 4 stars). 2 submissions from 2 submitters: Likely pathogenic (1); Uncertain significance (1). Last evaluated 2026-06-26.

Conditions:
Geleophysic dysplasia 2 (GPHYSD2). Identifiers: Orphanet 2623, MedGen C3280054, MONDO:0013612, OMIM 614185.

Submissions (2):

GeneDx
Classification: Uncertain significance. Last evaluated: 2026-06-26. Review status: criteria provided, single submitter. Criteria: GeneDx Variant Classification Process June 2021. Collection method: clinical testing. Allele origin: germline.
Comment: Does not affect a cysteine or calcium-binding residue within an EGF-like domain or a TGF-binding protein domain of the FBN1 gene; cysteine substitutions in the EGF-like domains represent the majority of pathogenic missense changes associated with FBN1-related disorders (PMID: 12938084); Not observed at significant frequency in large population cohorts (gnomAD); In silico analysis supports that this missense variant has a deleterious effect on protein structure/function; This variant is associated with the following publications: (PMID: 36703223, 12938084, 31098894, 25652356)

Dubai Health Genomic Medicine Center, Dubai Health
Classification: Likely pathogenic for Geleophysic dysplasia 2. Last evaluated: 2024-10-04. Review status: criteria provided, single submitter. Criteria: ACMG Guidelines, 2015. Collection method: research. Allele origin: germline. Affected: yes.
Comment: PM2, PS4_Supporting, PM5, PP3

NM_000138.5(FBN1):c.2696G>T (p.Gly899Val)

Gene: FBN1 (fibrillin 1; minus strand). Cytogenetic location: 15q21.1.
Variant type: single nucleotide variant.
Coding change: c.2696G>T on transcript NM_000138.5 (MANE Select); coding-DNA position 2696, G replaced by T.
Protein change: p.Gly899Val; replaces glycine 899 with valine.
Molecular consequence: missense variant.
Genome position (GRCh38, 1-based): chr15:48,494,236, C>A on the plus strand (G>T on the coding strand, the complement: FBN1 is on the minus strand). VCF-style: chr15-48494236-C-A. GRCh37 (hg19) VCF-style: chr15-48786433-C-A.
Other names: c.2696G>T, p.Gly899Val (NM_001406716.1); short protein forms G899V.
Identifiers: ClinVar variation 1810262 (VCV001810262.4), dbSNP rs1555399094, ClinGen allele CA392331689.
Genomic context (GRCh38, chr15:48,494,236, plus strand): 5'-TGTATGGTTTATAAGTAATCAGAAATACCTTCACATTGTGTTCCTTTAATTCTTGAGTAC[C>A]CTTTACCACATATGGGATCTGTAATAAAAAGCGAAAAACAAAACAGAAAACAAATTTGAG-3'
Protein context (NP_000129.3, residues 889-909): LCQVDPICGK[Gly899Val]YSRIKGTQCE